The following is an entry in ClinVar:

NM_004589.4(SCO1):c.4G>T (p.Ala2Ser)

Genes: SCO1 (synthesis of cytochrome C oxidase 1; minus strand), LOC112529895 (Sharpr-MPRA regulatory region 5903; plus strand). Cytogenetic location: 17p13.1.
Variant type: single nucleotide variant.
Coding change: c.4G>T on transcript NM_004589.4 (MANE Select); coding-DNA position 4, G replaced by T.
Protein change: p.Ala2Ser; replaces alanine 2 with serine.
Molecular consequence: missense variant.
Genome position (GRCh38, 1-based): chr17:10,697,504, C>A on the plus strand (G>T on the coding strand, the complement: SCO1 is on the minus strand). VCF-style: chr17-10697504-C-A. GRCh37 (hg19) VCF-style: chr17-10600821-C-A.
Other names: c.4G>T (NM_004589.2); short protein forms A2S.
Identifiers: ClinVar variation 2075675 (VCV002075675.6), dbSNP rs770736497, ClinGen allele CA8393743.
Genomic context (GRCh38, chr17:10,697,504, plus strand): 5'-AGCGCCAAAGTTGGCCACCCAGAGGCCGCATAACTCGTCCGGGTACTAGGACCAGCATCG[C>A]CATGAGCCTCGGAGACCGGGTCTCCTTTGACCCTCCCCGCGATTTCCGGTAGCGTTCCGC-3'
Protein context (NP_004580.1, residues 1-12): M[Ala2Ser]MLVLVPGRVM

ClinVar aggregate classification (germline): Uncertain significance. Review status: criteria provided, multiple submitters, no conflicts (2 of 4 stars). 3 submissions from 3 submitters: Uncertain significance (3). Last evaluated 2024-10-30.

Conditions:
Mitochondrial complex IV deficiency, nuclear type 4. Also called: Mitochondrial complex 4 deficiency, nuclear type 4. Identifiers: MedGen C5436683, MONDO:0033636, OMIM 619048.

Allele frequency attached by ClinVar (database versions not stated): TOPMed 0.00002; ExAC 0.00004; gnomAD 0.00002.
gnomAD v4.1: 122 of 1,613,220 alleles (0.0076%); highest among the groups gnomAD compares: Non-Finnish European, 0.0093%; no homozygotes.

Submissions (3):

GeneDx
Classification: Uncertain significance. Last evaluated: 2024-10-30. Review status: criteria provided, single submitter. Criteria: GeneDx Variant Classification Process June 2021. Collection method: clinical testing. Allele origin: germline. Affected: yes.
Comment: Not observed at significant frequency in large population cohorts (gnomAD); In silico analysis indicates that this missense variant does not alter protein structure/function; Has not been previously published as pathogenic or benign to our knowledge

Fulgent Genetics
Classification: Uncertain significance for Mitochondrial complex IV deficiency, nuclear type 4. Last evaluated: 2024-03-05. Review status: criteria provided, single submitter. Criteria: ACMG Guidelines, 2015. Collection method: clinical testing. Allele origin: germline.

Labcorp Genetics (formerly Invitae), Labcorp
Classification: Uncertain significance. Last evaluated: 2021-12-19. Review status: criteria provided, single submitter. Criteria: Invitae Variant Classification Sherloc (09022015). Collection method: clinical testing. Allele origin: germline.
Comment: This variant is present in population databases (rs770736497, gnomAD 0.008%). In summary, the available evidence is currently insufficient to determine the role of this variant in disease. Therefore, it has been classified as a Variant of Uncertain Significance. Algorithms developed to predict the effect of missense changes on protein structure and function (SIFT, PolyPhen-2, Align-GVGD) all suggest that this variant is likely to be tolerated. This variant has not been reported in the literature in individuals affected with SCO1-related conditions. This sequence change replaces alanine, which is neutral and non-polar, with serine, which is neutral and polar, at codon 2 of the SCO1 protein (p.Ala2Ser).